The following is an entry in ClinVar:

NM_001330700.2(TOP2B):c.542-3C>T

Gene: TOP2B (DNA topoisomerase II beta; minus strand). Cytogenetic location: 3p24.2.
Variant type: single nucleotide variant.
Coding change: c.542-3C>T on transcript NM_001330700.2 (MANE Select); 3 bases into the intron before coding-DNA position 542, C replaced by T.
Molecular consequence: intron variant.
Genome position (GRCh38, 1-based): chr3:25,637,315, G>A on the plus strand (C>T on the coding strand, the complement: TOP2B is on the minus strand). VCF-style: chr3-25637315-G-A. GRCh37 (hg19) VCF-style: chr3-25678806-G-A.
Other names: c.527-3C>T (NM_001068.3).
Identifiers: ClinVar variation 3612303 (VCV003612303.2).

ClinVar aggregate classification (germline): Uncertain significance (1 of 4 stars; one submission).

gnomAD v4.1: 2 of 1,540,790 alleles (0.00013%); highest among the groups gnomAD compares: South Asian, 0.0012%; no homozygotes.

Submission:

Labcorp Genetics (formerly Invitae), Labcorp
Classification: Uncertain significance. Last evaluated: 2024-06-15. Review status: criteria provided, single submitter. Criteria: Invitae Variant Classification Sherloc (09022015). Collection method: clinical testing. Allele origin: germline.
Comment: This sequence change falls in intron 5 of the TOP2B gene. It does not directly change the encoded amino acid sequence of the TOP2B protein. It affects a nucleotide within the consensus splice site. The frequency data for this variant in the population databases is considered unreliable, as metrics indicate poor data quality at this position in the gnomAD database. This variant has not been reported in the literature in individuals affected with TOP2B-related conditions. Variants that disrupt the consensus splice site are a relatively common cause of aberrant splicing (PMID: 17576681, 9536098). Algorithms developed to predict the effect of sequence changes on RNA splicing suggest that this variant is not likely to affect RNA splicing. In summary, the available evidence is currently insufficient to determine the role of this variant in disease. Therefore, it has been classified as a Variant of Uncertain Significance.

Literature cited by the submitters: PubMed 17576681; PubMed 9536098.